The following is an entry in ClinVar:

NM_000017.4(ACADS):c.428T>C (p.Phe143Ser)

Gene: ACADS (acyl-CoA dehydrogenase short chain; plus strand). Cytogenetic location: 12q24.31.
Variant type: single nucleotide variant.
Coding change: c.428T>C on transcript NM_000017.4 (MANE Select); coding-DNA position 428, T replaced by C.
Protein change: p.Phe143Ser; replaces phenylalanine 143 with serine.
Molecular consequence: missense variant.
Genome position (GRCh38, 1-based): chr12:120,737,423, T>C. VCF-style: chr12-120737423-T-C. GRCh37 (hg19) VCF-style: chr12-121175226-T-C.
Other names: c.428T>C, p.Phe143Ser (NM_001302554.2); short protein forms F143S.
Identifiers: ClinVar variation 3345428 (VCV003345428.1).

ClinVar aggregate classification (germline): Uncertain significance (0 of 4 stars; one submission).

Conditions:
ACADS-related disorder. Also called: ACADS-related condition.

gnomAD v4.1: 5 of 1,614,078 alleles (0.00031%); highest among the groups gnomAD compares: Admixed American, 0.0083%; no homozygotes.

Submission:

PreventionGenetics, part of Exact Sciences
Classification: Uncertain significance for ACADS-related condition. Last evaluated: 2024-08-22. Review status: no assertion criteria provided. Collection method: clinical testing. Allele origin: germline.
Comment: The ACADS c.428T>C variant is predicted to result in the amino acid substitution p.Phe143Ser. To our knowledge, this variant has not been reported in the literature or in a large population database, indicating this variant is rare. At this time, the clinical significance of this variant is uncertain due to the absence of conclusive functional and genetic evidence.